The following is an entry in ClinVar:

NM_000474.4(TWIST1):c.90_111del (p.Lys33fs)

Gene: TWIST1 (twist family bHLH transcription factor 1; minus strand). Cytogenetic location: 7p21.1.
Variant type: Deletion.
Coding change: c.90_111del on transcript NM_000474.4 (MANE Select); coding-DNA positions 90 to 111, 22 bases deleted (GAGCGGCAAGCGCGGGGGACGC).
Protein change: p.Lys33fs; shifts the reading frame from lysine 33.
Molecular consequence: frameshift variant. On other transcripts: non-coding transcript variant (1).
Genome position (GRCh38, 1-based): chr7:19,117,211-19,117,232, GCGTCCCCCGCGCTTGCCGCTC deleted on the plus strand (GAGCGGCAAGCGCGGGGGACGC on the coding strand, the reverse complement: TWIST1 is on the minus strand); deleting any 22 consecutive bases within chr7:19,117,211-19,117,233 gives the same sequence; the c. name uses the placement nearest the transcript's 3' end. VCF-style (leftmost placement, unchanged base first): chr7-19117210-TGCGTCCCCCGCGCTTGCCGCTC-T. GRCh37 (hg19) VCF-style: chr7-19156833-TGCGTCCCCCGCGCTTGCCGCTC-T.
Other names: short protein forms K33fs.
Identifiers: ClinVar variation 573378 (VCV000573378.8), dbSNP rs1563160337, ClinGen allele CA891842919.
Genomic context (GRCh38, chr7:19,117,210, plus strand): 5'-CACCCGCGGCTCCGCCGGGCCCCGCGCCGCCGCCCGCGCTGCGCCTGCTGCTGCGCCGCT[TGCGTCCCCCGCGCTTGCCGCTC>T]GGCGGCTGCTGCCGGTCTGGCTCTTCCTCGCTGTTGCTCAGGCTGTCGTCGGCCGGCGAG-3'

ClinVar aggregate classification (germline): Pathogenic (1 of 4 stars; one submission).

Conditions:
Saethre-Chotzen syndrome (SCS). Also called: ACROCEPHALY, SKULL ASYMMETRY, AND MILD SYNDACTYLY; ACS III; CHOTZEN SYNDROME. Identifiers: Orphanet 794, MedGen C0175699, MONDO:0007042, OMIM 101400.
TWIST1-related craniosynostosis (CRS1). Also called: CRANIOSYNOSTOSIS 1. Identifiers: Orphanet 63440, MedGen C4551902, MONDO:0007399, OMIM 123100. Inheritance: Heterogenous inheritance pattern.

Submission:

Labcorp Genetics (formerly Invitae), Labcorp
Classification: Pathogenic for TWIST1-related craniosynostosis; Saethre-Chotzen syndrome. Last evaluated: 2018-06-28. Review status: criteria provided, single submitter. Criteria: Invitae Variant Classification Sherloc (09022015). Collection method: clinical testing. Allele origin: germline.
Comment: For these reasons, this variant has been classified as Pathogenic. A different frameshift variant (p.Ser45Argfs*189) that lies downstream of this variant has been determined to be pathogenic (Invitae). This suggests that disruption of this region of the TWIST1 protein is causative of disease. This variant has not been reported in the literature in individuals with TWIST1-related disease. While this variant is not present in population databases, the frequency information is unreliable, as metrics indicate poor data quality at this position in the ExAC database. This sequence change results in a premature translational stop signal in the TWIST1 gene (p.Lys33Alafs*85). While this is not anticipated to result in nonsense mediated decay, it is expected to disrupt the last 170 amino acids of the TWIST1 protein.